The following is an entry in ClinVar:

NM_000059.4(BRCA2):c.978C>A (p.Ser326Arg)

Gene: BRCA2 (BRCA2 DNA repair associated; plus strand). Cytogenetic location: 13q13.1.
Variant type: single nucleotide variant.
Coding change: c.978C>A on transcript NM_000059.4 (MANE Select); coding-DNA position 978, C replaced by A.
Protein change: p.Ser326Arg; replaces serine 326 with arginine.
Molecular consequence: missense variant.
Genome position (GRCh38, 1-based): chr13:32,332,456, C>A. VCF-style: chr13-32332456-C-A. GRCh37 (hg19) VCF-style: chr13-32906593-C-A.
Other names: 1206C>A; short protein forms S326R.
Identifiers: ClinVar variation 52898 (VCV000052898.95), dbSNP rs28897706, ClinGen allele CA026296.
Genomic context (GRCh38, chr13:32,332,456, plus strand): 5'-TAGTTTTTCATTATGTTTTTCTAAATGTAGAACAAAAAATCTACAAAAAGTAAGAACTAG[C>A]AAGACTAGGAAAAAAATTTTCCATGAAGCAAACGCTGATGAATGTGAAAAATCTAAAAAC-3'
Protein context (NP_000050.3, residues 316-336): RTKNLQKVRT[Ser326Arg]KTRKKIFHEA

ClinVar aggregate classification (germline): Benign. Review status: reviewed by expert panel (3 of 4 stars). 37 submissions from 35 submitters: Benign (1). 36 of the submissions do not count toward it. Last evaluated 2015-08-10.

Conditions:
Inherited ovarian cancer (without breast cancer).
Inherited breast cancer and ovarian cancer.
BRCA2-related cancer predisposition. Identifiers: MedGen CN377758, MONDO:0700269.
Hereditary cancer-predisposing syndrome. Also called: Neoplastic Syndromes, Hereditary; Tumor predisposition; Hereditary Cancer Syndrome; Hereditary neoplastic syndrome. Identifiers: Orphanet 140162, MedGen C0027672, MeSH D009386, MONDO:0015356.
Breast neoplasm. Also called: Neoplasm of breast; Breast tumor; Breast Neoplasms; Neoplasm of the breast. Identifiers: MedGen C1458155, MeSH D001943, MONDO:0021100, HP:0100013. Disease mechanism: gain of function.
Breast and/or ovarian cancer. Identifiers: MedGen CN221562.
Hereditary breast ovarian cancer syndrome. Also called: Hereditary breast and/or ovarian cancer syndrome; Hereditary breast and ovarian cancer syndrome; Hereditary breast and ovarian cancer; Hereditary breast and ovarian cancer syndrome (HBOC); Breast and ovarian cancer; BRCA1- and BRCA2-Associated Hereditary Breast and Ovarian Cancer. Identifiers: Orphanet 145, MedGen C0677776, MeSH D061325, MONDO:0003582. Disease mechanism: loss of function.
Fanconi anemia complementation group D1. Also called: BRCA2-Related Fanconi Anemia. Identifiers: Orphanet 319462, MedGen C1838457, MONDO:0011584, OMIM 605724.
Breast-ovarian cancer, familial, susceptibility to, 2 (BROVCA2). Also called: BRCA2 Hereditary Breast and Ovarian Cancer. Identifiers: Orphanet 145, MedGen C2675520, MONDO:0012933, OMIM 612555. Disease mechanism: loss of function.
Familial cancer of breast. Also called: Hereditary breast cancer; BREAST CANCER, FAMILIAL; hereditary breast carcinoma. Identifiers: Orphanet 227535, MedGen C0346153, MONDO:0016419, OMIM 114480. Disease mechanism: loss of function.

Allele frequency attached by ClinVar (database versions not stated): gnomAD 0.00082 and 0.00079; ESP Exome Variant Server 0.00085; 1000 Genomes Project 30x 0.00016; 1000 Genomes Project 0.00020; TOPMed 0.00056; ExAC 0.00081; gnomAD exomes 0.00081.
gnomAD v4.1: 1,553 of 1,592,578 alleles (0.098%); highest among the groups gnomAD compares: Non-Finnish European, 0.11%; 2 homozygotes.

Submissions 1 to 17 of 37:

Evidence-based Network for the Interpretation of Germline Mutant Alleles (ENIGMA)
Classification: Benign for Breast-ovarian cancer, familial 2. Last evaluated: 2015-08-10. Review status: reviewed by expert panel. Criteria: ENIGMA BRCA1/2 Classification Criteria (2015). Collection method: curation. Allele origin: germline.
Comment: IARC class based on posterior probability from multifactorial likelihood analysis, thresholds for class as per Plon et al. 2008 (PMID: 18951446). Class 1 based on posterior probability = 0.000583

CeGaT Center for Human Genetics Tuebingen
Classification: Likely benign. Last evaluated: 2026-08-01. Review status: criteria provided, single submitter. Criteria: CeGaT Center For Human Genetics Tuebingen Variant Classification Criteria Version 2. Collection method: clinical testing. Allele origin: germline. Affected: yes. Observed: 29 variant alleles. Not counted in ClinVar's aggregate classification.
Comment: BRCA2: BP1, BP4, BS1:Supporting

Cambridge Genomics Laboratory, East Genomic Laboratory Hub, NHS Genomic Medicine Service
Classification: Benign for Inherited breast cancer and ovarian cancer. Last evaluated: 2026-04-17. Review status: criteria provided, single submitter. Criteria: ACGS Best Practice Guidelines for Variant Classification in Rare Disease 2020. Collection method: clinical testing. Allele origin: germline. Affected: yes. Not counted in ClinVar's aggregate classification.
Comment: BS3_Strong,BP4,BP5_Strong

Labcorp Genetics (formerly Invitae), Labcorp
Classification: Benign for Hereditary breast ovarian cancer syndrome. Last evaluated: 2026-02-03. Review status: criteria provided, single submitter. Criteria: Invitae Variant Classification Sherloc (09022015). Collection method: clinical testing. Allele origin: germline. Not counted in ClinVar's aggregate classification.

Cambridge Genomics Laboratory, East Genomic Laboratory Hub, NHS Genomic Medicine Service
Classification: Benign for Inherited ovarian cancer (without breast cancer). Last evaluated: 2026-01-13. Review status: criteria provided, single submitter. Criteria: ACGS Best Practice Guidelines for Variant Classification in Rare Disease 2020. Collection method: clinical testing. Allele origin: germline. Affected: yes. Not counted in ClinVar's aggregate classification.
Comment: BS3_Strong,BS1_Strong,BP4,BP5_Strong

Dasa
Classification: Benign for Breast-ovarian cancer, familial, susceptibility to, 2. Last evaluated: 2025-10-28. Review status: criteria provided, single submitter. Criteria: DASA Assertion Criteria. Collection method: clinical testing. Allele origin: germline. Not counted in ClinVar's aggregate classification.
Comment: NM_000059.4(BRCA2):c.978C>A (p.Ser326Arg) is interpreted as benign based on a combination of available evidence, which may include population frequency, observations in unaffected individuals, intact protein function, lack of segregation with disease, in silico models, amino acid conservation, lack of disease association in case-control studies, and/or inconsistency with the known disease mechanism or impacted region. Based on the available data, this variant is classified as benign.

ARUP Laboratories, Molecular Genetics and Genomics, ARUP Laboratories
Classification: Benign. Last evaluated: 2025-07-28. Review status: criteria provided, single submitter. Criteria: ARUP Molecular Germline Variant Investigation Process 2024. Collection method: clinical testing. Allele origin: germline. Not counted in ClinVar's aggregate classification.

Center for Genomic Medicine, Rigshospitalet, Copenhagen University Hospital
Classification: Benign. Last evaluated: 2025-03-04. Review status: criteria provided, single submitter. Criteria: ACMG Guidelines, 2015. Collection method: clinical testing. Allele origin: germline. Not counted in ClinVar's aggregate classification.

Blueprint Genetics
Classification: Likely benign. Last evaluated: 2024-11-27. Review status: criteria provided, single submitter. Criteria: ACMG Guidelines, 2015. Collection method: clinical testing. Allele origin: germline. Not counted in ClinVar's aggregate classification.

All of Us Research Program, National Institutes of Health
Classification: Likely benign for BRCA2-related cancer predisposition. Last evaluated: 2024-09-27. Review status: criteria provided, single submitter. Criteria: ACMG Guidelines, 2015. Collection method: clinical testing. Allele origin: germline. Inheritance: Autosomal dominant inheritance. Observed: 292 variant alleles, 291 heterozygotes, 1 homozygote. Not counted in ClinVar's aggregate classification.
Comment: This study involves interpretation of variants in research participants for the purpose of population health screening. Participant phenotype was not available at the time of variant classification. Additional details can be found in publication PMID: 35346344, PMCID: PMC8962531

CHEO Genetics Diagnostic Laboratory, Children's Hospital of Eastern Ontario
Classification: Likely benign for Breast and/or ovarian cancer. Last evaluated: 2023-06-05. Review status: criteria provided, single submitter. Criteria: ACMG Guidelines, 2015. Collection method: clinical testing. Allele origin: germline. Study: Canadian Open Genetics Repository. Not counted in ClinVar's aggregate classification.

Institute for Clinical Genetics, University Hospital TU Dresden, University Hospital TU Dresden
Classification: Likely benign. Last evaluated: 2021-11-03. Review status: criteria provided, single submitter. Criteria: ACMG Guidelines, 2015. Collection method: clinical testing. Allele origin: germline. Not counted in ClinVar's aggregate classification.

Sema4
Classification: Benign for Hereditary cancer-predisposing syndrome. Last evaluated: 2020-07-15. Review status: criteria provided, single submitter. Criteria: Sema4 Curation Guidelines. Collection method: curation. Allele origin: germline. Not counted in ClinVar's aggregate classification.

Mendelics
Classification: Likely benign for Breast-ovarian cancer, familial, susceptibility to, 2. Last evaluated: 2019-05-28. Review status: criteria provided, single submitter. Criteria: Mendelics Assertion Criteria 2017. Collection method: clinical testing. Allele origin: unknown. Not counted in ClinVar's aggregate classification.

Illumina Laboratory Services, Illumina
Classification: Likely benign for Breast-ovarian cancer, familial, susceptibility to, 2. Last evaluated: 2019-04-18. Review status: criteria provided, single submitter. Criteria: ICSL Variant Classification Criteria 13 December 2019. Collection method: clinical testing. Allele origin: germline. Not counted in ClinVar's aggregate classification.
Comment: This variant was observed as part of a predisposition screen in an ostensibly healthy population. A literature search was performed for the gene, cDNA change, and amino acid change (where applicable). Publications were found based on this search. The evidence from the literature, in combination with allele frequency data from public databases where available, was sufficient to determine this variant is unlikely to cause disease. Therefore, this variant is classified as likely benign.

Illumina Laboratory Services, Illumina
Classification: Likely benign for Fanconi anemia complementation group D1. Last evaluated: 2019-04-18. Review status: criteria provided, single submitter. Criteria: ICSL Variant Classification Criteria 13 December 2019. Collection method: clinical testing. Allele origin: germline. Not counted in ClinVar's aggregate classification.
Comment: This variant was observed as part of a predisposition screen in an ostensibly healthy population. A literature search was performed for the gene, cDNA change, and amino acid change (where applicable). No publications were found based on this search. Allele frequency data from public databases allowed determination this variant is unlikely to cause disease. Therefore, this variant is classified as likely benign.

Institute of Human Genetics, University of Leipzig Medical Center
Classification: Likely benign for Familial cancer of breast. Last evaluated: 2019-01-01. Review status: criteria provided, single submitter. Criteria: ACMG Guidelines, 2015. Collection method: clinical testing. Allele origin: unknown. Affected: no. Not counted in ClinVar's aggregate classification.